The following is an entry in ClinVar:

ClinVar aggregate classification (germline): Conflicting classifications of pathogenicity. Review status: criteria provided, conflicting classifications (1 of 4 stars). 2 submissions from 2 submitters: Likely pathogenic (1); Uncertain significance (1). Last evaluated 2025-01-13.

Conditions:
Thrombophilia due to protein S deficiency, autosomal dominant (THPH5). Identifiers: Orphanet 26349, Orphanet 743, MedGen C3278211, MONDO:0012868, OMIM 612336. Disease mechanism: loss of function.
Thrombophilia due to protein S deficiency, autosomal recessive (THPH6). Identifiers: Orphanet 743, MedGen C3281092, MONDO:0013791, OMIM 614514. Disease mechanism: loss of function.

Allele frequency attached by ClinVar (database versions not stated): gnomAD 0.00002; gnomAD exomes 0.00002; TOPMed 0.00002.
gnomAD v4.1: 37 of 1,613,474 alleles (0.0023%); highest among the groups gnomAD compares: African/African-American, 0.0067%; no homozygotes.

Submissions (2):

Labcorp Genetics (formerly Invitae), Labcorp
Classification: Uncertain significance for Thrombophilia due to protein S deficiency, autosomal recessive. Last evaluated: 2025-01-13. Review status: criteria provided, single submitter. Criteria: Invitae Variant Classification Sherloc (09022015). Collection method: clinical testing. Allele origin: germline.
Comment: This sequence change replaces arginine, which is basic and polar, with cysteine, which is neutral and slightly polar, at codon 101 of the PROS1 protein (p.Arg101Cys). This variant is present in population databases (rs778731080, gnomAD 0.01%). This missense change has been observed in individual(s) with clinical features of protein S deficiency (PMID: 16953283, 18954896, 20880255). ClinVar contains an entry for this variant (Variation ID: 2415145). Invitae Evidence Modeling of protein sequence and biophysical properties (such as structural, functional, and spatial information, amino acid conservation, physicochemical variation, residue mobility, and thermodynamic stability) has been performed for this missense variant. However, the output from this modeling did not meet the statistical confidence thresholds required to predict the impact of this variant on PROS1 protein function. Experimental studies have shown that this missense change affects PROS1 function (PMID: 16953283). In summary, the available evidence is currently insufficient to determine the role of this variant in disease. Therefore, it has been classified as a Variant of Uncertain Significance.

Molecular Genetics and NGS Laboratory, Hospital Fundacion Valle Del Lili
Classification: Likely pathogenic for Thrombophilia due to protein S deficiency, autosomal dominant. Last evaluated: 2024-04-09. Review status: criteria provided, single submitter. Criteria: ACMG Guidelines, 2015. Collection method: clinical testing. Allele origin: germline. Affected: yes. Observed: 1 variant allele.

Literature cited by the submitters: PubMed 16953283 (cited by Labcorp Genetics (formerly Invitae), Labcorp); PubMed 18954896 (cited by Labcorp Genetics (formerly Invitae), Labcorp); PubMed 20880255 (cited by Labcorp Genetics (formerly Invitae), Labcorp).

NM_000313.4(PROS1):c.301C>T (p.Arg101Cys)

Gene: PROS1 (protein S; minus strand). Cytogenetic location: 3q11.1.
Variant type: single nucleotide variant.
Coding change: c.301C>T on transcript NM_000313.4 (MANE Select); coding-DNA position 301, C replaced by T.
Protein change: p.Arg101Cys; replaces arginine 101 with cysteine.
Molecular consequence: missense variant.
Genome position (GRCh38, 1-based): chr3:93,910,664, G>A on the plus strand (C>T on the coding strand, the complement: PROS1 is on the minus strand). VCF-style: chr3-93910664-G-A. GRCh37 (hg19) VCF-style: chr3-93629508-G-A.
Other names: p.Arg101Cys; c.397C>T, p.Arg133Cys (NM_001314077.2); short protein forms R101C, R133C.
Identifiers: ClinVar variation 2415145 (VCV002415145.7), dbSNP rs778731080, ClinGen allele CA78494166.